The following is an entry in ClinVar:

NM_001447.3(FAT2):c.12412C>T (p.Arg4138Trp)

Genes: FAT2 (FAT atypical cadherin 2; minus strand), SLC36A1 (solute carrier family 36 member 1; plus strand). Cytogenetic location: 5q33.1.
Variant type: single nucleotide variant.
Coding change: c.12412C>T on transcript NM_001447.3 (MANE Select); coding-DNA position 12412, C replaced by T.
Protein change: p.Arg4138Trp; replaces arginine 4138 with tryptophan.
Molecular consequence: missense variant.
Genome position (GRCh38, 1-based): chr5:151,507,259, G>A on the plus strand (C>T on the coding strand, the complement: FAT2 is on the minus strand). VCF-style: chr5-151507259-G-A. GRCh37 (hg19) VCF-style: chr5-150886820-G-A.
Other names: c.12412C>T (NM_001447.2); short protein forms R4138W.
Identifiers: ClinVar variation 2045497 (VCV002045497.7), dbSNP rs144848990, ClinGen allele CA3519790.

ClinVar aggregate classification (germline): Conflicting classifications of pathogenicity. Review status: criteria provided, conflicting classifications (1 of 4 stars). 3 submissions from 3 submitters: Uncertain significance (1); Benign (1). 1 of the submissions does not count toward it. Last evaluated 2025-11-25.

Conditions:
FAT2-related disorder. Also called: FAT2-related condition.

Allele frequency attached by ClinVar (database versions not stated): ExAC 0.00070; gnomAD 0.00188; ESP Exome Variant Server 0.00215; TOPMed 0.00224; 1000 Genomes Project 0.00300; 1000 Genomes Project 30x 0.00328.
gnomAD v4.1: 572 of 1,614,170 alleles (0.035%); highest among the groups gnomAD compares: African/African-American, 0.7%; 6 homozygotes.

Submissions (3):

Labcorp Genetics (formerly Invitae), Labcorp
Classification: Benign. Last evaluated: 2025-11-25. Review status: criteria provided, single submitter. Criteria: Invitae Variant Classification Sherloc (09022015). Collection method: clinical testing. Allele origin: germline.

Ambry Genetics
Classification: Uncertain significance. Last evaluated: 2025-08-21. Review status: criteria provided, single submitter. Criteria: Ambry Variant Classification Scheme 2023. Collection method: clinical testing. Allele origin: germline.

PreventionGenetics, part of Exact Sciences
Classification: Benign for FAT2-related condition. Last evaluated: 2019-09-06. Review status: no assertion criteria provided. Collection method: clinical testing. Allele origin: germline. Not counted in ClinVar's aggregate classification.
Comment: This variant is classified as benign based on ACMG/AMP sequence variant interpretation guidelines (Richards et al. 2015 PMID: 25741868, with internal and published modifications).